The following is an entry in ClinVar:

ClinVar aggregate classification (germline): Pathogenic. Review status: criteria provided, multiple submitters, no conflicts (2 of 4 stars). 6 submissions from 6 submitters: Pathogenic (6). Last evaluated 2025-11-13.

Conditions:
CFTR-related disorder (CFTR-RD). Also called: CFTR-related disorders; CFTR-related condition. Identifiers: MedGen C5924204, MONDO:7770004.
Cystic fibrosis (CF). Also called: MUCOVISCIDOSIS. Identifiers: Orphanet 586, MedGen C0010674, MONDO:0009061, OMIM 219700. Disease mechanism: loss of function.

Allele frequency attached by ClinVar (database versions not stated): ExAC 0.00002; gnomAD exomes below 0.00001 and 0.00001.

Submissions (6):

Natera, Inc.
Classification: Pathogenic for CFTR-related disorders. Last evaluated: 2025-11-13. Review status: criteria provided, single submitter. Criteria: Natera Variant Classification Schema (03/2026). Collection method: clinical testing. Allele origin: germline.
Comment: The c.3808delG variant in CFTR is a frameshift variant predicted to shift the reading frame beginning at codon 1270 and leads to a stop codon 8 codons downstream. This variant is expected to result in nonsense mediated decay, truncation, or a dysfunctional protein product. This variant is rare in the general population with a frequency below the threshold expected for the associated phenotype(s). This variant has been observed in one or more individuals affected with the associated recessive disease, as either homozygous or compound heterozygous with a second variant (PMID: 16980811, 28992757). Given the available evidence, this variant is classified as Pathogenic.

3billion
Classification: Pathogenic for Cystic fibrosis. Last evaluated: 2025-11-10. Review status: criteria provided, single submitter. Criteria: ACMG Guidelines, 2015. Collection method: clinical testing. Allele origin: germline. Affected: yes.
Comment: The variant is observed at an extremely low frequency in the gnomAD v4.1.0 dataset (total allele frequency: <0.001%). Predicted Consequence/Location: Frameshift: predicted to result in a loss or disruption of normal protein function through nonsense-mediated decay (NMD) or protein truncation. Multiple pathogenic variants are reported downstream of the variant. The variant has been reported at least twice as pathogenic with clinical assertions and evidence for the classification (ClinVar ID: VCV000439078 /PMID: 16980811 /3billion dataset). Therefore, this variant is classified as Pathogenic according to the recommendation of ACMG/AMP guideline.

Labcorp Genetics (formerly Invitae), Labcorp
Classification: Pathogenic for Cystic fibrosis. Last evaluated: 2024-01-25. Review status: criteria provided, single submitter. Criteria: Invitae Variant Classification Sherloc (09022015). Collection method: clinical testing. Allele origin: germline.
Comment: This sequence change creates a premature translational stop signal (p.Asp1270Metfs*8) in the CFTR gene. It is expected to result in an absent or disrupted protein product. Loss-of-function variants in CFTR are known to be pathogenic (PMID: 1695717, 7691345, 9725922). This variant is present in population databases (rs763843966, gnomAD 0.006%). This premature translational stop signal has been observed in individual(s) with clinical features of cystic fibrosis (PMID: 16980811). This variant is also known as 3940delG. ClinVar contains an entry for this variant (Variation ID: 439078). For these reasons, this variant has been classified as Pathogenic.

Women's Health and Genetics/Laboratory Corporation of America, LabCorp
Classification: Pathogenic for Cystic fibrosis. Last evaluated: 2022-02-03. Review status: criteria provided, single submitter. Criteria: LabCorp Variant Classification Summary - May 2015. Collection method: clinical testing. Allele origin: germline.
Comment: Variant summary: CFTR c.3808delG (p.Asp1270MetfsX8) results in a premature termination codon, predicted to cause a truncation of the encoded protein or absence of the protein due to nonsense mediated decay, which are commonly known mechanisms for disease. Truncations downstream of this position have been classified as pathogenic by our laboratory. The variant allele was found at a frequency of 8e-06 in 250946 control chromosomes. c.3808delG has been reported in the literature in individuals affected with Cystic Fibrosis (Kammesheidt_2006, Ibarra-Gonzalez_2017). To our knowledge, no experimental evidence demonstrating an impact on protein function has been reported. One clinical diagnostic laboratory has submitted clinical-significance assessments for this variant to ClinVar after 2014 without evidence for independent evaluation. One laboratory classified the variant as pathogenic. Based on the evidence outlined above, the variant was classified as pathogenic.

Quest Diagnostics Nichols Institute San Juan Capistrano
Classification: Pathogenic. Last evaluated: 2016-12-05. Review status: criteria provided, single submitter. Criteria: Quest Diagnostics criteria. Collection method: clinical testing. Allele origin: germline.

Ambry Genetics
Classification: Pathogenic for Cystic fibrosis. Last evaluated: 2016-07-26. Review status: criteria provided, single submitter. Criteria: Ambry Variant Classification Scheme 2023. Collection method: clinical testing. Allele origin: germline.
Comment: The c.3808delG pathogenic mutation (also known as 3940delG), located in coding exon 23 of the CFTR gene, results from a deletion of one nucleotide at nucleotide position 3808, causing a translational frameshift with a predicted alternate stop codon (p.D1270Mfs*8). This mutation was detected in an individual with a clinical diagnosis of cystic fibrosis in conjunction with a nonsense alteration; however, phase was not confirmed (Kammesheidt A et al. Genet. Med., 2006 Sep;8:557-62). This alteration is expected to result in loss of function by premature protein truncation or nonsense-mediated mRNA decay. As such, this alteration is interpreted as a disease-causing mutation.

Literature cited by the submitters: PubMed 16980811 (cited by 6 submitters); PubMed 28992757 (cited by Natera, Inc. and Women's Health and Genetics/Laboratory Corporation of America, LabCorp); PubMed 1695717 (cited by Labcorp Genetics (formerly Invitae), Labcorp); PubMed 7691345 (cited by Labcorp Genetics (formerly Invitae), Labcorp); PubMed 9725922 (cited by Labcorp Genetics (formerly Invitae), Labcorp).

NM_000492.4(CFTR):c.3808del (p.Asp1270fs)

Genes: CFTR (CF transmembrane conductance regulator; plus strand), CFTR-AS2 (CFTR antisense RNA 2; minus strand). Cytogenetic location: 7q31.2.
Variant type: Deletion.
Coding change: c.3808del on transcript NM_000492.4 (MANE Select); coding-DNA position 3808, one base deleted (G; older notation c.3808delG).
Protein change: p.Asp1270fs; shifts the reading frame from aspartic acid 1270.
Molecular consequence: frameshift variant.
Genome position (GRCh38, 1-based): chr7:117,642,528, G deleted. VCF-style (leftmost placement, unchanged base first): chr7-117642527-CG-C. GRCh37 (hg19) VCF-style: chr7-117282581-CG-C.
Other names: c.3808delG (NM_000492.3); short protein forms D1270fs.
Identifiers: ClinVar variation 439078 (VCV000439078.12), dbSNP rs763843966, ClinGen allele CA4451549.